The following is an entry in ClinVar:

NM_000540.3(RYR1):c.3971C>A (p.Ala1324Glu)

Gene: RYR1 (ryanodine receptor 1; plus strand). Cytogenetic location: 19q13.2.
Variant type: single nucleotide variant.
Coding change: c.3971C>A on transcript NM_000540.3 (MANE Select); coding-DNA position 3971, C replaced by A.
Protein change: p.Ala1324Glu; replaces alanine 1324 with glutamic acid.
Molecular consequence: missense variant.
Genome position (GRCh38, 1-based): chr19:38,473,582, C>A. VCF-style: chr19-38473582-C-A. GRCh37 (hg19) VCF-style: chr19-38964222-C-A.
Other names: c.3971C>A, p.Ala1324Glu (NM_001042723.2); short protein forms A1324E.
Identifiers: ClinVar variation 4759148 (VCV004759148.1).

ClinVar aggregate classification (germline): Uncertain significance (1 of 4 stars; one submission).

Conditions:
Malignant hyperthermia, susceptibility to, 1 (MHS1). Also called: RYR1-Related Malignant Hyperthermia Susceptibility; Malignant hyperthermia suceptibility 1; Anesthesia related hyperthermia; Malignant hyperpyrexia; Fulminating hyperpyrexia; Pharmacogenic myopathy. Identifiers: Orphanet 423, MedGen C2930980, MONDO:0007783, OMIM 145600.

Submission:

Color Diagnostics, LLC DBA Color Health
Classification: Uncertain significance for Malignant hyperthermia, susceptibility to, 1. Last evaluated: 2025-08-07. Review status: criteria provided, single submitter. Criteria: ACMG Guidelines, 2015. Collection method: clinical testing. Allele origin: germline.
Comment: This missense variant replaces alanine with glutamic acid at codon 1324 of the RYR1 protein. Computational prediction suggests that this variant may not impact protein structure and function. To our knowledge, functional studies have not been reported for this variant. This variant has not been reported in individuals affected with RYR1-related disorders in the literature. This variant has not been identified in the general population by the Genome Aggregation Database (gnomAD). The available evidence is insufficient to determine the role of this variant in disease conclusively. Therefore, this variant is classified as a Variant of Uncertain Significance.